The following is an entry in ClinVar:

ClinVar aggregate classification (germline): Uncertain significance. Review status: criteria provided, multiple submitters, no conflicts (2 of 4 stars). 3 submissions from 3 submitters: Uncertain significance (3). Last evaluated 2024-01-04.

Conditions:
Inborn genetic diseases. Identifiers: MedGen C0950123, MeSH D030342.

Allele frequency attached by ClinVar (database versions not stated): gnomAD 0.00001; gnomAD exomes 0.00001; TOPMed 0.00002.
gnomAD v4.1: 7 of 1,597,822 alleles (0.00044%); highest among the groups gnomAD compares: Admixed American, 0.01%; no homozygotes.

Submissions (3):

GeneDx
Classification: Uncertain significance. Last evaluated: 2024-01-04. Review status: criteria provided, single submitter. Criteria: GeneDx Variant Classification Process June 2021. Collection method: clinical testing. Allele origin: germline. Affected: yes.
Comment: In silico analysis supports that this missense variant does not alter protein structure/function; Has not been previously published as pathogenic or benign to our knowledge

Labcorp Genetics (formerly Invitae), Labcorp
Classification: Uncertain significance. Last evaluated: 2022-03-20. Review status: criteria provided, single submitter. Criteria: Invitae Variant Classification Sherloc (09022015). Collection method: clinical testing. Allele origin: germline.
Comment: This sequence change replaces glutamine, which is neutral and polar, with leucine, which is neutral and non-polar, at codon 1713 of the MYO18B protein (p.Gln1713Leu). This variant is present in population databases (no rsID available, gnomAD 0.02%). This variant has not been reported in the literature in individuals affected with MYO18B-related conditions. Algorithms developed to predict the effect of missense changes on protein structure and function are either unavailable or do not agree on the potential impact of this missense change (SIFT: "Not Available"; PolyPhen-2: "Benign"; Align-GVGD: "Not Available"). In summary, the available evidence is currently insufficient to determine the role of this variant in disease. Therefore, it has been classified as a Variant of Uncertain Significance.

Ambry Genetics
Classification: Uncertain significance for Inborn genetic diseases. Last evaluated: 2021-09-01. Review status: criteria provided, single submitter. Criteria: Ambry Variant Classification Scheme 2023. Collection method: clinical testing. Allele origin: germline.

NM_032608.7(MYO18B):c.5138A>T (p.Gln1713Leu)

Gene: MYO18B (myosin XVIIIB; plus strand). Cytogenetic location: 22q12.1.
Variant type: single nucleotide variant.
Coding change: c.5138A>T on transcript NM_032608.7 (MANE Select); coding-DNA position 5138, A replaced by T.
Protein change: p.Gln1713Leu; replaces glutamine 1713 with leucine.
Molecular consequence: missense variant.
Genome position (GRCh38, 1-based): chr22:25,903,821, A>T. VCF-style: chr22-25903821-A-T. GRCh37 (hg19) VCF-style: chr22-26299788-A-T.
Other names: c.5141A>T, p.Gln1714Leu (NM_001318245.2); short protein forms Q1713L, Q1714L.
Identifiers: ClinVar variation 1935216 (VCV001935216.4), dbSNP rs990990625, ClinGen allele CA322824117.
Genomic context (GRCh38, chr22:25,903,821, plus strand): 5'-TGGAATCCAGCGCCCTTGAGCAACAGAAAATCCAGAGCCAGCAGGAAAACACCATCAAGC[A>T]GCTGGAGCAGGTAGGAAAGCCCTGTCTCAGGGCAACACCCTGTCCCATGTCTCCAATGCA-3'
Protein context (NP_115997.5, residues 1703-1723): IQSQQENTIK[Gln1713Leu]LEQLRQRFEL